The following is an entry in ClinVar:

NM_000518.4(HBB):c.361A>G (p.Lys121Glu)

Genes: HBB (hemoglobin subunit beta; minus strand), LOC107133510 (origin of replication at HBB; plus strand), LOC110006319 (beta-globin gene 3' regulatory region; plus strand). Cytogenetic location: 11p15.4.
Variant type: single nucleotide variant.
Coding change: c.361A>G on transcript NM_000518.4; coding-DNA position 361, A replaced by G.
Protein change: p.Lys121Glu; replaces lysine 121 with glutamic acid.
Molecular consequence: missense variant (on NM_000518.5).
Genome position (GRCh38, 1-based): chr11:5,225,681, T>C on the plus strand (A>G on the coding strand, the complement: HBB is on the minus strand). VCF-style: chr11-5225681-T-C. GRCh37 (hg19) VCF-style: chr11-5246911-T-C.
Other names: K120E; c.361A>G, p.Lys121Glu (NM_000518.5); short protein forms K121E.
Identifiers: ClinVar variation 15195 (VCV000015195.3), dbSNP rs33924134, ClinGen allele CA124900.

ClinVar aggregate classification (germline): Uncertain significance. Review status: criteria provided, single submitter (1 of 4 stars). 2 submissions from 2 submitters: Uncertain significance (1). 1 of the submissions does not count toward it. Last evaluated 2024-01-29.

Conditions:
HEMOGLOBIN HIJIYAMA.

Submissions (2):

Quest Diagnostics Nichols Institute San Juan Capistrano
Classification: Uncertain significance. Last evaluated: 2024-01-29. Review status: criteria provided, single submitter. Criteria: Quest Diagnostics criteria. Collection method: clinical testing. Allele origin: unknown.
Comment: The HBB c.361A>G (p.Lys121Glu) variant has been reported in the published literature in individuals with abnormal hemoglobin (PMIDs: 5634912 (1968) and 6123395 (1982)). This variant has not been reported in large, multi-ethnic general populations (Genome Aggregation Database). Analysis of this variant using bioinformatics tools for the prediction of the effect of amino acid changes on protein structure and function yielded conflicting predictions that this variant is deleterious or benign. Based on the available information, we are unable to determine the clinical significance of this variant.

OMIM
Classification: other for HEMOGLOBIN HIJIYAMA. Last evaluated: 2017-12-12. Review status: no assertion criteria provided. Collection method: literature only. Allele origin: germline. Not counted in ClinVar's aggregate classification.

Literature cited by the submitters: PubMed 5634912 (cited by Quest Diagnostics Nichols Institute San Juan Capistrano and OMIM); PubMed 6123395 (cited by Quest Diagnostics Nichols Institute San Juan Capistrano).